The following is an entry in ClinVar:

ClinVar aggregate classification (germline): Benign. Review status: criteria provided, single submitter (1 of 4 stars). 2 submissions from 2 submitters: Benign (1). 1 of the submissions does not count toward it. Last evaluated 2025-11-04.

Conditions:
MYH9-related disorder. Identifiers: MedGen C1854520.

Allele frequency attached by ClinVar (database versions not stated): gnomAD 0.00005 and 0.00007; TOPMed 0.00007; ESP Exome Variant Server 0.00008; 1000 Genomes Project 30x 0.00016; 1000 Genomes Project 0.00020; ExAC 0.00020.

Submissions (2):

Labcorp Genetics (formerly Invitae), Labcorp
Classification: Benign. Last evaluated: 2025-11-04. Review status: criteria provided, single submitter. Criteria: Invitae Variant Classification Sherloc (09022015). Collection method: clinical testing. Allele origin: germline.

PreventionGenetics, part of Exact Sciences
Classification: Likely benign for MYH9-related condition. Last evaluated: 2021-06-09. Review status: no assertion criteria provided. Collection method: clinical testing. Allele origin: germline. Not counted in ClinVar's aggregate classification.
Comment: This variant is classified as likely benign based on ACMG/AMP sequence variant interpretation guidelines (Richards et al. 2015 PMID: 25741868, with internal and published modifications).

NM_002473.6(MYH9):c.3645C>T (p.Leu1215=)

Gene: MYH9 (myosin heavy chain 9; minus strand). Cytogenetic location: 22q12.3.
Variant type: single nucleotide variant.
Coding change: c.3645C>T on transcript NM_002473.6 (MANE Select); coding-DNA position 3645, C replaced by T.
Protein change: p.Leu1215=; no amino-acid change (leucine 1215 retained).
Molecular consequence: synonymous variant.
Genome position (GRCh38, 1-based): chr22:36,294,284, G>A on the plus strand (C>T on the coding strand, the complement: MYH9 is on the minus strand). VCF-style: chr22-36294284-G-A. GRCh37 (hg19) VCF-style: chr22-36690330-G-A.
Identifiers: ClinVar variation 724301 (VCV000724301.8), dbSNP rs377686629, ClinGen allele CA10209604.